The following is an entry in ClinVar:

NM_004380.3(CREBBP):c.5769C>T (p.Ser1923=)

Gene: CREBBP (CREB binding lysine acetyltransferase; minus strand). Cytogenetic location: 16p13.3.
Variant type: single nucleotide variant.
Coding change: c.5769C>T on transcript NM_004380.3 (MANE Select); coding-DNA position 5769, C replaced by T.
Protein change: p.Ser1923=; no amino-acid change (serine 1923 retained).
Molecular consequence: synonymous variant.
Genome position (GRCh38, 1-based): chr16:3,729,278, G>A on the plus strand (C>T on the coding strand, the complement: CREBBP is on the minus strand). VCF-style: chr16-3729278-G-A. GRCh37 (hg19) VCF-style: chr16-3779279-G-A.
Other names: c.5655C>T, p.Ser1885= (NM_001079846.1).
Identifiers: ClinVar variation 589685 (VCV000589685.16), dbSNP rs772392148, ClinGen allele CA7869248.

ClinVar aggregate classification (germline): Benign/Likely benign. Review status: criteria provided, multiple submitters, no conflicts (2 of 4 stars). 5 submissions from 5 submitters: Benign (1); Likely benign (3). 1 of the submissions does not count toward it. Last evaluated 2025-02-09.

Conditions:
Rubinstein-Taybi syndrome (RSTS). Identifiers: Orphanet 783, MedGen C0035934, MONDO:0019188.
Inborn genetic diseases. Identifiers: MedGen C0950123, MeSH D030342.
CREBBP-related disorder. Also called: CREBBP-related disorders; CREBBP-related condition.

Allele frequency attached by ClinVar (database versions not stated): ExAC below 0.00001; gnomAD exomes 0.00002 and 0.00003; gnomAD 0.00009; TOPMed 0.00009.
gnomAD v4.1: 55 of 1,533,504 alleles (0.0036%); highest among the groups gnomAD compares: Middle Eastern, 0.02%; no homozygotes.

Submissions (5):

Labcorp Genetics (formerly Invitae), Labcorp
Classification: Benign for Rubinstein-Taybi syndrome. Last evaluated: 2025-02-09. Review status: criteria provided, single submitter. Criteria: Invitae Variant Classification Sherloc (09022015). Collection method: clinical testing. Allele origin: germline.

Blueprint Genetics
Classification: Likely benign. Last evaluated: 2024-07-01. Review status: criteria provided, single submitter. Criteria: ACMG Guidelines, 2015. Collection method: clinical testing. Allele origin: germline.

GeneDx
Classification: Likely benign. Last evaluated: 2019-08-16. Review status: criteria provided, single submitter. Criteria: GeneDx Variant Classification Process June 2021. Collection method: clinical testing. Allele origin: germline. Affected: yes.

Ambry Genetics
Classification: Likely benign for Inborn genetic diseases. Last evaluated: 2016-06-08. Review status: criteria provided, single submitter. Criteria: Ambry Variant Classification Scheme 2023. Collection method: clinical testing. Allele origin: germline.

PreventionGenetics, part of Exact Sciences
Classification: Likely benign for CREBBP-related condition. Last evaluated: 2022-05-16. Review status: no assertion criteria provided. Collection method: clinical testing. Allele origin: germline. Not counted in ClinVar's aggregate classification.
Comment: This variant is classified as likely benign based on ACMG/AMP sequence variant interpretation guidelines (Richards et al. 2015 PMID: 25741868, with internal and published modifications).